The following is an entry in ClinVar:

ClinVar aggregate classification (germline): Likely benign. Review status: criteria provided, multiple submitters, no conflicts (2 of 4 stars). 4 submissions from 4 submitters: Likely benign (3). 1 of the submissions does not count toward it. Last evaluated 2025-11-09.

Conditions:
Kleefstra syndrome 1 (KLEFS1). Identifiers: Orphanet 261494, MedGen C0795833, MONDO:0027407, OMIM 610253.
EHMT1-related disorder. Also called: EHMT1-related condition.

Allele frequency attached by ClinVar (database versions not stated): ExAC 0.00007; gnomAD 0.00008 and 0.00011.
gnomAD v4.1: 105 of 1,613,910 alleles (0.0065%); highest among the groups gnomAD compares: Middle Eastern, 0.066%; no homozygotes.

Submissions (4):

Labcorp Genetics (formerly Invitae), Labcorp
Classification: Likely benign for Kleefstra syndrome 1. Last evaluated: 2025-11-09. Review status: criteria provided, single submitter. Criteria: Invitae Variant Classification Sherloc (09022015). Collection method: clinical testing. Allele origin: germline.

Blueprint Genetics
Classification: Likely benign. Last evaluated: 2024-02-01. Review status: criteria provided, single submitter. Criteria: ACMG Guidelines, 2015. Collection method: clinical testing. Allele origin: germline.

Breakthrough Genomics
Classification: Likely benign. Review status: criteria provided, single submitter. Criteria: ACMG Guidelines, 2015. Collection method: not provided. Allele origin: germline. Inheritance: Autosomal dominant inheritance. Affected: yes.

PreventionGenetics, part of Exact Sciences
Classification: Likely benign for EHMT1-related condition. Last evaluated: 2024-03-14. Review status: no assertion criteria provided. Collection method: clinical testing. Allele origin: germline. Not counted in ClinVar's aggregate classification.
Comment: This variant is classified as likely benign based on ACMG/AMP sequence variant interpretation guidelines (Richards et al. 2015 PMID: 25741868, with internal and published modifications).

NM_024757.5(EHMT1):c.1647+12T>G

Gene: EHMT1 (euchromatic histone lysine methyltransferase 1; plus strand). Cytogenetic location: 9q34.3.
Variant type: single nucleotide variant.
Coding change: c.1647+12T>G on transcript NM_024757.5 (MANE Select); 12 bases into the intron after coding-DNA position 1647, T replaced by G.
Molecular consequence: intron variant. On other transcripts: missense variant (2).
Genome position (GRCh38, 1-based): chr9:137,762,832, T>G. VCF-style: chr9-137762832-T-G. GRCh37 (hg19) VCF-style: chr9-140657284-T-G.
Other names: c.1659T>G, p.Phe553Leu (NM_001354611.2); c.1566T>G, p.Phe522Leu (NM_001354612.2); c.1626+12T>G (NM_001354263.2); c.1554+12T>G (NM_001354259.2); c.1647+12T>G (NM_001145527.2); c.1566T>G (NM_001354612.1); short protein forms F522L, F553L.
Identifiers: ClinVar variation 1635928 (VCV001635928.11), dbSNP rs778702173, ClinGen allele CA5374680.